The following is an entry in ClinVar:

NM_000051.4(ATM):c.73-3C>G

Gene: ATM (ATM serine/threonine kinase; plus strand). Cytogenetic location: 11q22.3.
Variant type: single nucleotide variant.
Coding change: c.73-3C>G on transcript NM_000051.4 (MANE Select); 3 bases into the intron before coding-DNA position 73, C replaced by G.
Molecular consequence: intron variant.
Genome position (GRCh38, 1-based): chr11:108,227,773, C>G. VCF-style: chr11-108227773-C-G. GRCh37 (hg19) VCF-style: chr11-108098500-C-G.
Other names: c.73-3C>G (NM_001351834.2, NM_001351835.2, NM_001351836.2).
Identifiers: ClinVar variation 482554 (VCV000482554.16), dbSNP rs1555054039, ClinGen allele CA658656135.

ClinVar aggregate classification (germline): Pathogenic/Likely pathogenic. Review status: criteria provided, multiple submitters, no conflicts (2 of 4 stars). 3 submissions from 3 submitters: Pathogenic (1); Likely pathogenic (2). Last evaluated 2026-08-10.

Conditions:
Hereditary cancer-predisposing syndrome. Also called: Neoplastic Syndromes, Hereditary; Hereditary neoplastic syndrome; Hereditary Cancer Syndrome; Tumor predisposition. Identifiers: Orphanet 140162, MedGen C0027672, MeSH D009386, MONDO:0015356.
Ataxia-telangiectasia syndrome (AT). Also called: Ataxia-telangiectasia, complementation group D; AT, COMPLEMENTATION GROUP C; LOUIS-BAR SYNDROME; Ataxia-telangiectasia, complementation group E; Cerebello-oculocutaneous telangiectasia; Immunodeficiency with ataxia telangiectasia. Identifiers: Orphanet 100, MedGen C0004135, MONDO:0008840, OMIM 208900.

gnomAD v4.1: 1 of 1,613,154 alleles (0.000062%); highest among the groups gnomAD compares: Non-Finnish European, 0.000085%; no homozygotes.

Submissions (3):

Ambry Genetics
Classification: Likely pathogenic for Hereditary cancer-predisposing syndrome. Last evaluated: 2026-08-10. Review status: criteria provided, single submitter. Criteria: Ambry Variant Classification Scheme 2023. Collection method: clinical testing. Allele origin: germline.
Comment: The c.73-3C>G intronic variant results from a C to G substitution 3 nucleotides upstream from coding exon 2 in the ATM gene. This nucleotide position is well conserved in available vertebrate species. In silico splice site analysis predicts that this alteration may result in the creation or strengthening of a novel splice acceptor site. RNA studies have demonstrated that this alteration results in abnormal splicing in the set of samples tested (Ambry internal data). This variant is considered to be rare based on population cohorts in the Genome Aggregation Database (gnomAD). Based on the majority of available evidence to date, this variant is likely to be pathogenic.

Labcorp Genetics (formerly Invitae), Labcorp
Classification: Pathogenic for Ataxia-telangiectasia syndrome. Last evaluated: 2026-01-27. Review status: criteria provided, single submitter. Criteria: Invitae Variant Classification Sherloc (09022015). Collection method: clinical testing. Allele origin: germline.
Comment: This sequence change falls in intron 2 of the ATM gene. It does not directly change the encoded amino acid sequence of the ATM protein. RNA analysis indicates that this variant induces altered splicing and may result in an absent or altered protein product. This variant is not present in population databases (gnomAD no frequency). This variant has been observed in individual(s) with a personal or family history of cancer (PMID: 31642931). ClinVar contains an entry for this variant (Variation ID: 482554). Variants that disrupt the consensus splice site are a relatively common cause of aberrant splicing (PMID: 17576681, 9536098). Studies have shown that this variant results in activation of a cryptic splice site, and produces a non-functional protein and/or introduces a premature termination codon (internal data). For these reasons, this variant has been classified as Pathogenic.

GeneDx
Classification: Likely pathogenic. Last evaluated: 2023-04-05. Review status: criteria provided, single submitter. Criteria: GeneDx Variant Classification Process June 2021. Collection method: clinical testing. Allele origin: germline. Affected: yes.
Comment: Published functional studies demonstrate a damaging effect: aberrant splicing resulting in an out-of-frame transcript (Karam et al., 2019; Landrith et al., 2020); Not observed at significant frequency in large population cohorts (gnomAD); Identified in an individual referred for multi-gene hereditary cancer panel testing (Landrith et al., 2020); This variant is associated with the following publications: (PMID: 31642931, 32133419)

Literature cited by the submitters: PubMed 31642931 (cited by Labcorp Genetics (formerly Invitae), Labcorp); PubMed 17576681 (cited by Labcorp Genetics (formerly Invitae), Labcorp); PubMed 9536098 (cited by Labcorp Genetics (formerly Invitae), Labcorp).